The following is an entry in ClinVar:

NM_004360.5(CDH1):c.147_163+6del

Gene: CDH1 (cadherin 1; plus strand). Cytogenetic location: 16q22.1.
Variant type: Deletion.
Coding change: c.147_163+6del on transcript NM_004360.5 (MANE Select); coding-DNA position 147 through 6 bases into the intron after coding-DNA position 163, 23 bases deleted (CCGCGTCCTGGGCAGAGGTGAGG).
Molecular consequence: splice donor variant.
Genome position (GRCh38, 1-based): chr16:68,738,395-68,738,417, CCGCGTCCTGGGCAGAGGTGAGG deleted; deleting any 23 consecutive bases within chr16:68,738,391-68,738,417 gives the same sequence; the c. name uses the placement nearest the transcript's 3' end. VCF-style (leftmost placement, unchanged base first): chr16-68738390-AGAGGCCGCGTCCTGGGCAGAGGT-A. GRCh37 (hg19) VCF-style: chr16-68772293-AGAGGCCGCGTCCTGGGCAGAGGT-A.
Other names: c.-1469_-1453+6del (NM_001317185.2); c.-1673_-1657+6del (NM_001317186.2); c.147_163+6del (NM_001317184.2).
Identifiers: ClinVar variation 4718802 (VCV004718802.1).
Genomic context (GRCh38, chr16:68,738,390, plus strand): 5'-TGCCACCCTGGCTTTGACGCCGAGAGCTACACGTTCACGGTGCCCCGGCGCCACCTGGAG[AGAGGCCGCGTCCTGGGCAGAGGT>A]GAGGGCGCGCTGCCGGTGTCCCTGGGCGGAGTAGGGAGGGGTTGGAAAGGGGCCGAGAAA-3'

ClinVar aggregate classification (germline): Likely pathogenic (1 of 4 stars; one submission).

Conditions:
Hereditary diffuse gastric adenocarcinoma (HDGC). Also called: DIFFUSE GASTRIC AND LOBULAR BREAST CANCER SYNDROME. Identifiers: Orphanet 26106, MedGen C1708349, MONDO:0007648, OMIM 137215.

Submission:

Labcorp Genetics (formerly Invitae), Labcorp
Classification: Likely pathogenic for Hereditary diffuse gastric adenocarcinoma. Last evaluated: 2025-07-13. Review status: criteria provided, single submitter. Criteria: Invitae Variant Classification Sherloc (09022015). Collection method: clinical testing. Allele origin: germline.
Comment: This variant results in the deletion of part of exon 2 (c.147_163+6del) of the CDH1 gene. It is expected to disrupt RNA splicing. Variants that disrupt the donor or acceptor splice site typically lead to a loss of protein function (PMID: 16199547), and loss-of-function variants in CDH1 are known to be pathogenic (PMID: 15235021, 20373070). This variant is not present in population databases (gnomAD no frequency). This variant has not been reported in the literature in individuals affected with CDH1-related conditions. In summary, the currently available evidence indicates that the variant is pathogenic, but additional data are needed to prove that conclusively. Therefore, this variant has been classified as Likely Pathogenic.

Literature cited by the submitters: PubMed 16199547; PubMed 15235021; PubMed 20373070.